The following is an entry in ClinVar:

NM_014727.3(KMT2B):c.1090G>A (p.Glu364Lys)

Gene: KMT2B (lysine methyltransferase 2B; plus strand). Cytogenetic location: 19q13.12.
Variant type: single nucleotide variant.
Coding change: c.1090G>A on transcript NM_014727.3 (MANE Select); coding-DNA position 1090, G replaced by A.
Protein change: p.Glu364Lys; replaces glutamic acid 364 with lysine.
Molecular consequence: missense variant.
Genome position (GRCh38, 1-based): chr19:35,720,437, G>A. VCF-style: chr19-35720437-G-A. GRCh37 (hg19) VCF-style: chr19-36211339-G-A.
Other names: short protein forms E364K.
Identifiers: ClinVar variation 1879431 (VCV001879431.35), dbSNP rs757604369, ClinGen allele CA9384176.
Genomic context (GRCh38, chr19:35,720,437, plus strand): 5'-GTTGGATCTGGACAGGGAGGGAGCCCTTGCTGGAAAAAGCAGGAACAGAAGCTGGATGAC[G>A]AGGAAGAAGAGAAGAAAGAAGAAGAAGAAAAAGACAAGGAGGGAGAAGAGAAGGAAGAAA-3'
Protein context (NP_055542.1, residues 354-374): WKKQEQKLDD[Glu364Lys]EEEKKEEEEK

ClinVar aggregate classification (germline): Uncertain significance. Review status: criteria provided, multiple submitters, no conflicts (2 of 4 stars). 3 submissions from 3 submitters: Uncertain significance (3). Last evaluated 2025-12-01.

Allele frequency attached by ClinVar (database versions not stated): gnomAD exomes 0.00003; TOPMed 0.00003; ExAC 0.00004; gnomAD 0.00007; 1000 Genomes Project 30x 0.00047.
gnomAD v4.1: 64 of 1,554,544 alleles (0.0041%); highest among the groups gnomAD compares: Middle Eastern, 0.083%; no homozygotes.

Submissions (3):

CeGaT Center for Human Genetics Tuebingen
Classification: Uncertain significance. Last evaluated: 2025-12-01. Review status: criteria provided, single submitter. Criteria: CeGaT Center For Human Genetics Tuebingen Variant Classification Criteria Version 2. Collection method: clinical testing. Allele origin: germline. Affected: yes. Observed: 4 variant alleles.
Comment: KMT2B: PM2, BP4

Labcorp Genetics (formerly Invitae), Labcorp
Classification: Uncertain significance. Last evaluated: 2025-08-17. Review status: criteria provided, single submitter. Criteria: Invitae Variant Classification Sherloc (09022015). Collection method: clinical testing. Allele origin: germline.
Comment: This sequence change replaces glutamic acid, which is acidic and polar, with lysine, which is basic and polar, at codon 364 of the KMT2B protein (p.Glu364Lys). The frequency data for this variant in the population databases is considered unreliable, as metrics indicate poor data quality at this position in the gnomAD database. This variant has not been reported in the literature in individuals affected with KMT2B-related conditions. ClinVar contains an entry for this variant (Variation ID: 1879431). Invitae Evidence Modeling of protein sequence and biophysical properties (such as structural, functional, and spatial information, amino acid conservation, physicochemical variation, residue mobility, and thermodynamic stability) indicates that this missense variant is not expected to disrupt KMT2B protein function with a negative predictive value of 95%. In summary, the available evidence is currently insufficient to determine the role of this variant in disease. Therefore, it has been classified as a Variant of Uncertain Significance.

Women's Health and Genetics/Laboratory Corporation of America, LabCorp
Classification: Uncertain significance. Last evaluated: 2023-12-22. Review status: criteria provided, single submitter. Criteria: LabCorp Variant Classification Summary - May 2015. Collection method: clinical testing. Allele origin: germline.
Comment: Variant summary: KMT2B c.1090G>A (p.Glu364Lys) results in a conservative amino acid change in the encoded protein sequence. Five of five in-silico tools predict a benign effect of the variant on protein function. The variant allele was found at a frequency of 5.6e-05 in 162154 control chromosomes. The available data on variant occurrences in the general population are insufficient to allow any conclusion about variant significance. To our knowledge, no occurrence of c.1090G>A in individuals affected with Dystonia 28, Childhood-Onset and no experimental evidence demonstrating its impact on protein function have been reported. Two submitters have cited clinical-significance assessments for this variant to ClinVar after 2014. All submitters classified the variant as uncertain significance. Based on the evidence outlined above, the variant was classified as uncertain significance.